The following is an entry in ClinVar:

NM_001130009.3(GEN1):c.1409G>A (p.Arg470His)

Gene: GEN1 (GEN1 structure-specific endonuclease; plus strand). Cytogenetic location: 2p24.2.
Variant type: single nucleotide variant.
Coding change: c.1409G>A on transcript NM_001130009.3 (MANE Select); coding-DNA position 1409, G replaced by A.
Protein change: p.Arg470His; replaces arginine 470 with histidine.
Molecular consequence: missense variant.
Genome position (GRCh38, 1-based): chr2:17,780,621, G>A. VCF-style: chr2-17780621-G-A. GRCh37 (hg19) VCF-style: chr2-17961888-G-A.
Other names: c.1409G>A, p.Arg470His (NM_182625.5); short protein forms R470H.
Identifiers: ClinVar variation 2997675 (VCV002997675.3), dbSNP rs1558411954, ClinGen allele CA345925676.

ClinVar aggregate classification (germline): Uncertain significance (1 of 4 stars; one submission).

Submission:

Labcorp Genetics (formerly Invitae), Labcorp
Classification: Uncertain significance. Last evaluated: 2023-08-11. Review status: criteria provided, single submitter. Criteria: Invitae Variant Classification Sherloc (09022015). Collection method: clinical testing. Allele origin: germline.
Comment: In summary, the available evidence is currently insufficient to determine the role of this variant in disease. Therefore, it has been classified as a Variant of Uncertain Significance. An algorithm developed to predict the effect of missense changes on protein structure and function (PolyPhen-2) suggests that this variant is likely to be tolerated. This variant has not been reported in the literature in individuals affected with GEN1-related conditions. This variant is not present in population databases (gnomAD no frequency). This sequence change replaces arginine, which is basic and polar, with histidine, which is basic and polar, at codon 470 of the GEN1 protein (p.Arg470His).